The following is an entry in ClinVar:

NM_032482.3(DOT1L):c.4072G>A (p.Gly1358Ser)

Gene: DOT1L (DOT1 like histone lysine methyltransferase; plus strand). Cytogenetic location: 19p13.3.
Variant type: single nucleotide variant.
Coding change: c.4072G>A on transcript NM_032482.3 (MANE Select); coding-DNA position 4072, G replaced by A.
Protein change: p.Gly1358Ser; replaces glycine 1358 with serine.
Molecular consequence: missense variant.
Genome position (GRCh38, 1-based): chr19:2,226,593, G>A. VCF-style: chr19-2226593-G-A. GRCh37 (hg19) VCF-style: chr19-2226592-G-A.
Other names: c.4072G>A, p.Gly1358Ser (NM_001411141.1); short protein forms G1358S.
Identifiers: ClinVar variation 5041250 (VCV005041250.1).

ClinVar aggregate classification (germline): Likely benign (1 of 4 stars; one submission).

gnomAD v4.1: 239 of 1,598,866 alleles (0.015%); highest among the groups gnomAD compares: Non-Finnish European, 0.02%; no homozygotes.

Submission:

CeGaT Center for Human Genetics Tuebingen
Classification: Likely benign. Last evaluated: 2026-09-01. Review status: criteria provided, single submitter. Criteria: CeGaT Center For Human Genetics Tuebingen Variant Classification Criteria Version 2. Collection method: clinical testing. Allele origin: germline. Affected: yes. Observed: 1 variant allele.
Comment: DOT1L: BP4